The following is an entry in ClinVar:

NM_004168.4(SDHA):c.457-18_457-3dup

Gene: SDHA (succinate dehydrogenase complex flavoprotein subunit A; plus strand). Cytogenetic location: 5p15.33.
Variant type: Duplication.
Coding change: c.457-18_457-3dup on transcript NM_004168.4 (MANE Select); 18 bases into the intron before coding-DNA position 457 through 3 bases into the intron before coding-DNA position 457, 16 bases duplicated (TGTTTTTATCTTTCAC).
Molecular consequence: intron variant.
Genome position (GRCh38, 1-based): chr5:225,865-225,880, TGTTTTTATCTTTCAC duplicated. VCF-style (leftmost placement, unchanged base first): chr5-225864-T-TTGTTTTTATCTTTCAC. GRCh37 (hg19) VCF-style: chr5-225979-T-TTGTTTTTATCTTTCAC.
Other names: c.457-18_457-3dup (NM_001330758.2); c.313-18_313-3dup (NM_001294332.2); c.457-18_457-3dupTGTTTTTATCTTTCAC (NM_004168.2).
Identifiers: ClinVar variation 1575761 (VCV001575761.9), dbSNP rs1421256041, ClinGen allele CA808822756.

ClinVar aggregate classification (germline): Conflicting classifications of pathogenicity. Review status: criteria provided, conflicting classifications (1 of 4 stars). 2 submissions from 2 submitters: Uncertain significance (1); Likely benign (1). Last evaluated 2024-07-18.

Conditions:
Hereditary cancer-predisposing syndrome. Also called: Tumor predisposition; Hereditary Cancer Syndrome; Hereditary neoplastic syndrome; Neoplastic Syndromes, Hereditary. Identifiers: Orphanet 140162, MedGen C0027672, MeSH D009386, MONDO:0015356.
Pheochromocytoma/paraganglioma syndrome 5. Also called: Paragangliomas 5; SDHA-Related Hereditary Paraganglioma-Pheochromocytoma Syndrome. Identifiers: Orphanet 29072, MedGen C3279992, MONDO:0013602, OMIM 614165.
Mitochondrial complex II deficiency, nuclear type 1. Also called: SUCCINATE CoQ REDUCTASE DEFICIENCY. Identifiers: Orphanet 3208, MedGen C5700310, MONDO:0100294, OMIM 252011.

Submissions (2):

Ambry Genetics
Classification: Uncertain significance for Hereditary cancer-predisposing syndrome. Last evaluated: 2024-07-18. Review status: criteria provided, single submitter. Criteria: Ambry Variant Classification Scheme 2023. Collection method: clinical testing. Allele origin: germline.
Comment: The c.457-18_457-3dup16 intronic variant, results from a duplication of 32 nucleotides at nucleotide position 457 before intron 4 of the SDHA gene. This nucleotide region is not well conserved in available vertebrate species. In silico splice site analysis for this alteration is inconclusive. Based on the available evidence, the clinical significance of this variant remains unclear.

Labcorp Genetics (formerly Invitae), Labcorp
Classification: Likely benign for Pheochromocytoma/paraganglioma syndrome 5; Mitochondrial complex II deficiency, nuclear type 1. Last evaluated: 2024-05-06. Review status: criteria provided, single submitter. Criteria: Invitae Variant Classification Sherloc (09022015). Collection method: clinical testing. Allele origin: germline.